The following is an entry in ClinVar:

ClinVar aggregate classification (germline): Uncertain significance. Review status: criteria provided, multiple submitters, no conflicts (2 of 4 stars). 3 submissions from 3 submitters: Uncertain significance (3). Last evaluated 2025-10-06.

Conditions:
CEP290-related ciliopathy. Also called: CEP290 ciliopathy. Identifiers: MedGen CN305601, MONDO:0100451.

gnomAD v4.1: 6 of 1,612,682 alleles (0.00037%); highest among the groups gnomAD compares: Middle Eastern, 0.083%; 1 homozygote.

Submissions (3):

Myriad Genetics, Inc.
Classification: Uncertain significance for CEP290-related ciliopathy. Last evaluated: 2025-10-06. Review status: criteria provided, single submitter. Criteria: Myriad Autosomal Dominant, Autosomal Recessive and X-Linked Classification Criteria (2023). Collection method: clinical testing. Allele origin: unknown.
Comment: NM_025114.3(CEP290):c.3878T>G(L1293R) is a missense variant classified as a variant of uncertain significance in the context of CEP290-related disorders. L1293R has been observed in a case with relevant disease (PMID: 35754085). Relevant functional assessments of this variant are not available in the literature. L1293R has not been observed in referenced population frequency databases. In summary, there is insufficient evidence to classify NM_025114.3(CEP290):c.3878T>G(L1293R) as pathogenic or benign. Please note: this variant was assessed in the context of healthy population screening.

Revvity Omics, Revvity
Classification: Uncertain significance. Last evaluated: 2021-11-19. Review status: criteria provided, single submitter. Criteria: ACMG Guidelines, 2015. Collection method: clinical testing. Allele origin: germline.

Blueprint Genetics
Classification: Uncertain significance. Last evaluated: 2018-06-03. Review status: criteria provided, single submitter. Criteria: ACMG Guidelines, 2015. Collection method: clinical testing. Allele origin: germline.

Literature cited by the submitters: PubMed 35754085 (cited by Myriad Genetics, Inc.).

NM_025114.4(CEP290):c.3878T>G (p.Leu1293Arg)

Gene: CEP290 (centrosomal protein 290; minus strand). Cytogenetic location: 12q21.32.
Variant type: single nucleotide variant.
Coding change: c.3878T>G on transcript NM_025114.4 (MANE Select); coding-DNA position 3878, T replaced by G.
Protein change: p.Leu1293Arg; replaces leucine 1293 with arginine.
Molecular consequence: missense variant.
Genome position (GRCh38, 1-based): chr12:88,089,183, A>C on the plus strand (T>G on the coding strand, the complement: CEP290 is on the minus strand). VCF-style: chr12-88089183-A-C. GRCh37 (hg19) VCF-style: chr12-88482960-A-C.
Other names: short protein forms L1293R.
Identifiers: ClinVar variation 2439912 (VCV002439912.5), dbSNP rs1444244014, ClinGen allele CA386000511.